The following is an entry in ClinVar:

NM_004836.7(EIF2AK3):c.1898G>A (p.Arg633Gln)

Gene: EIF2AK3 (eukaryotic translation initiation factor 2 alpha kinase 3; minus strand). Cytogenetic location: 2p11.2.
Variant type: single nucleotide variant.
Coding change: c.1898G>A on transcript NM_004836.7 (MANE Select); coding-DNA position 1898, G replaced by A.
Protein change: p.Arg633Gln; replaces arginine 633 with glutamine.
Molecular consequence: missense variant.
Genome position (GRCh38, 1-based): chr2:88,576,692, C>T on the plus strand (G>A on the coding strand, the complement: EIF2AK3 is on the minus strand). VCF-style: chr2-88576692-C-T. GRCh37 (hg19) VCF-style: chr2-88876210-C-T.
Other names: c.1445G>A, p.Arg482Gln (NM_001313915.2); short protein forms R482Q, R633Q.
Identifiers: ClinVar variation 1961336 (VCV001961336.2), dbSNP rs1283246923, ClinGen allele CA347593386.
Genomic context (GRCh38, chr2:88,576,692, plus strand): 5'-CTAACAATGCCCGGGTGTTCAAGCTTGGCTAAGGCTTTAACTTCTCGCATTACCTTTTCC[C>T]GAGCCAATTCCCTGAAAGAGAGAAAATATTTAAGGTGATGGATATTCCAATTACACTGAT-3'
Protein context (NP_004827.4, residues 623-643): RIRLPNRELA[Arg633Gln]EKVMREVKAL

ClinVar aggregate classification (germline): Uncertain significance (1 of 4 stars; one submission).

Allele frequency attached by ClinVar (database versions not stated): TOPMed below 0.00001; gnomAD 0.00001; gnomAD exomes 0.00001.

Submission:

Labcorp Genetics (formerly Invitae), Labcorp
Classification: Uncertain significance. Last evaluated: 2022-08-02. Review status: criteria provided, single submitter. Criteria: Invitae Variant Classification Sherloc (09022015). Collection method: clinical testing. Allele origin: germline.
Comment: This sequence change replaces arginine, which is basic and polar, with glutamine, which is neutral and polar, at codon 633 of the EIF2AK3 protein (p.Arg633Gln). This variant is not present in population databases (gnomAD no frequency). This variant has not been reported in the literature in individuals affected with EIF2AK3-related conditions. Algorithms developed to predict the effect of missense changes on protein structure and function are either unavailable or do not agree on the potential impact of this missense change (SIFT: "Deleterious"; PolyPhen-2: "Probably Damaging"; Align-GVGD: "Class C0"). In summary, the available evidence is currently insufficient to determine the role of this variant in disease. Therefore, it has been classified as a Variant of Uncertain Significance.